The following is an entry in ClinVar:

NM_017636.4(TRPM4):c.108G>T (p.Gln36His)

Gene: TRPM4 (transient receptor potential cation channel subfamily M member 4; plus strand). Cytogenetic location: 19q13.33.
Variant type: single nucleotide variant.
Coding change: c.108G>T on transcript NM_017636.4 (MANE Select); coding-DNA position 108, G replaced by T.
Protein change: p.Gln36His; replaces glutamine 36 with histidine.
Molecular consequence: missense variant. On other transcripts: 5 prime UTR variant (1), intron variant (2).
Genome position (GRCh38, 1-based): chr19:49,166,056, G>T. VCF-style: chr19-49166056-G-T. GRCh37 (hg19) VCF-style: chr19-49669313-G-T.
Other names: c.108G>T, p.Gln36His (NM_001195227.2, NM_001321281.2); c.-1265G>T (NM_001321282.2); c.-74-2204G>T (NM_001321283.2); c.-237-2497G>T (NM_001321285.2); short protein forms Q36H.
Identifiers: ClinVar variation 4762498 (VCV004762498.1).

ClinVar aggregate classification (germline): Uncertain significance (1 of 4 stars; one submission).

Conditions:
Progressive familial heart block type IB (PFHB1B). Identifiers: Orphanet 871, MedGen C1970298, MONDO:0011474, OMIM 604559.

gnomAD v4.1: 4 of 1,597,634 alleles (0.00025%); highest among the groups gnomAD compares: Admixed American, 0.0018%; no homozygotes.

Submission:

Labcorp Genetics (formerly Invitae), Labcorp
Classification: Uncertain significance for Progressive familial heart block type IB. Last evaluated: 2025-02-04. Review status: criteria provided, single submitter. Criteria: Invitae Variant Classification Sherloc (09022015). Collection method: clinical testing. Allele origin: germline.
Comment: This sequence change replaces glutamine, which is neutral and polar, with histidine, which is basic and polar, at codon 36 of the TRPM4 protein (p.Gln36His). This variant is not present in population databases (gnomAD no frequency). This variant has not been reported in the literature in individuals affected with TRPM4-related conditions. An algorithm developed to predict the effect of missense changes on protein structure and function (PolyPhen-2) suggests that this variant is likely to be disruptive. In summary, the available evidence is currently insufficient to determine the role of this variant in disease. Therefore, it has been classified as a Variant of Uncertain Significance.